The following is an entry in ClinVar:

ClinVar aggregate classification (germline): Conflicting classifications of pathogenicity. Review status: criteria provided, conflicting classifications (1 of 4 stars). 5 submissions from 5 submitters: Uncertain significance (2); Likely benign (2). 1 of the submissions does not count toward it. Last evaluated 2025-09-08.

Conditions:
KANK2-related disorder. Also called: KANK2-related condition.
Nephrotic syndrome 16. Identifiers: MedGen C4540453, MONDO:0033280, OMIM 617783.
Wooly hair-palmoplantar keratoderma syndrome. Also called: Palmoplantar keratoderma and woolly hair; Woolly hair-palmoplantar keratoderma syndrome. Identifiers: Orphanet 420686, MedGen C4015202, MONDO:0014492, OMIM 616099.

Allele frequency attached by ClinVar (database versions not stated): 1000 Genomes Project 0.00020; 1000 Genomes Project 30x 0.00031; ExAC 0.00044; gnomAD exomes 0.00045 and 0.00112; gnomAD 0.00050 and 0.00051; TOPMed 0.00051; ESP Exome Variant Server 0.00085.
gnomAD v4.1: 1,748 of 1,614,152 alleles (0.11%); highest among the groups gnomAD compares: Non-Finnish European, 0.14%; no homozygotes.

Submissions (5):

Mayo Clinic Laboratories, Mayo Clinic
Classification: Likely benign. Last evaluated: 2025-09-08. Review status: criteria provided, single submitter. Criteria: ACMG Guidelines, 2015. Collection method: clinical testing. Allele origin: germline. Observed: 1 variant allele.
Comment: BS1, BP4_moderate

Labcorp Genetics (formerly Invitae), Labcorp
Classification: Uncertain significance. Last evaluated: 2025-06-22. Review status: criteria provided, single submitter. Criteria: Invitae Variant Classification Sherloc (09022015). Collection method: clinical testing. Allele origin: germline.
Comment: This sequence change replaces arginine, which is basic and polar, with cysteine, which is neutral and slightly polar, at codon 380 of the KANK2 protein (p.Arg380Cys). This variant is present in population databases (rs144821191, gnomAD 0.08%), and has an allele count higher than expected for a pathogenic variant. This variant has not been reported in the literature in individuals affected with KANK2-related conditions. ClinVar contains an entry for this variant (Variation ID: 1510116). An algorithm developed to predict the effect of missense changes on protein structure and function outputs the following: PolyPhen-2: "Benign". The cysteine amino acid residue is found in multiple mammalian species, which suggests that this missense change does not adversely affect protein function. In summary, the available evidence is currently insufficient to determine the role of this variant in disease. Therefore, it has been classified as a Variant of Uncertain Significance.

Ambry Genetics
Classification: Likely benign. Last evaluated: 2022-04-12. Review status: criteria provided, single submitter. Criteria: Ambry Variant Classification Scheme 2023. Collection method: clinical testing. Allele origin: germline.

Fulgent Genetics
Classification: Uncertain significance for Wooly hair-palmoplantar keratoderma syndrome; Nephrotic syndrome 16. Last evaluated: 2022-03-11. Review status: criteria provided, single submitter. Criteria: ACMG Guidelines, 2015. Collection method: clinical testing. Allele origin: unknown.

PreventionGenetics, part of Exact Sciences
Classification: Uncertain significance for KANK2-related condition. Last evaluated: 2023-12-29. Review status: no assertion criteria provided. Collection method: clinical testing. Allele origin: germline. Not counted in ClinVar's aggregate classification.
Comment: The KANK2 c.1138C>T variant is predicted to result in the amino acid substitution p.Arg380Cys. To our knowledge, this variant has not been reported in the literature. This variant is reported in 0.089% of alleles in individuals of European (Non-Finnish) descent in gnomAD. Although we suspect that this variant may be benign, at this time, the clinical significance of this variant is uncertain due to the absence of conclusive functional and genetic evidence.

NM_001136191.3(KANK2):c.1138C>T (p.Arg380Cys)

Gene: KANK2 (KN motif and ankyrin repeat domains 2; minus strand). Cytogenetic location: 19p13.2.
Variant type: single nucleotide variant.
Coding change: c.1138C>T on transcript NM_001136191.3 (MANE Select); coding-DNA position 1138, C replaced by T.
Protein change: p.Arg380Cys; replaces arginine 380 with cysteine.
Molecular consequence: missense variant.
Genome position (GRCh38, 1-based): chr19:11,192,942, G>A on the plus strand (C>T on the coding strand, the complement: KANK2 is on the minus strand). VCF-style: chr19-11192942-G-A. GRCh37 (hg19) VCF-style: chr19-11303618-G-A.
Other names: p.Arg380Cys; c.1138C>T (NM_015493.6); c.1138C>T, p.Arg380Cys (NM_001329451.2, NM_001379548.1, NM_001379549.1 and 15 more transcripts); short protein forms R380C.
Identifiers: ClinVar variation 1510116 (VCV001510116.10), dbSNP rs144821191, ClinGen allele CA9205887.